The following is an entry in ClinVar:

ClinVar aggregate classification (germline): Likely benign (1 of 4 stars; one submission).

Allele frequency attached by ClinVar (database versions not stated): gnomAD exomes below 0.00001.
gnomAD v4.1: 1 of 1,606,896 alleles (0.000062%); highest among the groups gnomAD compares: East Asian, 0.0022%; no homozygotes.

Submission:

GeneDx
Classification: Likely benign. Last evaluated: 2018-02-08. Review status: criteria provided, single submitter. Criteria: GeneDx Variant Classification (06012015). Collection method: clinical testing. Allele origin: germline. Affected: yes.
Comment: This variant is considered likely benign or benign based on one or more of the following criteria: it is a conservative change, it occurs at a poorly conserved position in the protein, it is predicted to be benign by multiple in silico algorithms, and/or has population frequency not consistent with disease.

NM_020433.5(JPH2):c.380-18C>T

Gene: JPH2 (junctophilin 2; minus strand). Cytogenetic location: 20q13.12.
Variant type: single nucleotide variant.
Coding change: c.380-18C>T on transcript NM_020433.5 (MANE Select); 18 bases into the intron before coding-DNA position 380, C replaced by T.
Molecular consequence: intron variant.
Genome position (GRCh38, 1-based): chr20:44,160,425, G>A on the plus strand (C>T on the coding strand, the complement: JPH2 is on the minus strand). VCF-style: chr20-44160425-G-A. GRCh37 (hg19) VCF-style: chr20-42789065-G-A.
Identifiers: ClinVar variation 515361 (VCV000515361.1), dbSNP rs559155501, ClinGen allele CA658799365.